The following is an entry in ClinVar:

NM_005744.5(ARIH1):c.34G>C (p.Asp12His)

Genes: ARIH1 (ariadne RBR E3 ubiquitin protein ligase 1; plus strand), LOC130057478 (ATAC-STARR-seq lymphoblastoid silent region 6624; plus strand). Cytogenetic location: 15q24.1.
Variant type: single nucleotide variant.
Coding change: c.34G>C on transcript NM_005744.5 (MANE Select); coding-DNA position 34, G replaced by C.
Protein change: p.Asp12His; replaces aspartic acid 12 with histidine.
Molecular consequence: missense variant.
Genome position (GRCh38, 1-based): chr15:72,474,673, G>C. VCF-style: chr15-72474673-G-C. GRCh37 (hg19) VCF-style: chr15-72767014-G-C.
Other names: short protein forms D12H.
Identifiers: ClinVar variation 3634769 (VCV003634769.2).

ClinVar aggregate classification (germline): Uncertain significance (1 of 4 stars; one submission).

gnomAD v4.1: 6 of 1,565,526 alleles (0.00038%); highest among the groups gnomAD compares: Non-Finnish European, 0.00043%; no homozygotes.

Submission:

Labcorp Genetics (formerly Invitae), Labcorp
Classification: Uncertain significance. Last evaluated: 2024-04-02. Review status: criteria provided, single submitter. Criteria: Invitae Variant Classification Sherloc (09022015). Collection method: clinical testing. Allele origin: germline.
Comment: This sequence change replaces aspartic acid, which is acidic and polar, with histidine, which is basic and polar, at codon 12 of the ARIH1 protein (p.Asp12His). This variant is not present in population databases (gnomAD no frequency). This variant has not been reported in the literature in individuals affected with ARIH1-related conditions. Experimental studies and prediction algorithms are not available or were not evaluated, and the functional significance of this variant is currently unknown. In summary, the available evidence is currently insufficient to determine the role of this variant in disease. Therefore, it has been classified as a Variant of Uncertain Significance.